The following is an entry in ClinVar:

NM_001083116.3(PRF1):c.1213C>T (p.Gln405Ter)

Gene: PRF1 (perforin 1; minus strand). Cytogenetic location: 10q22.1.
Variant type: single nucleotide variant.
Coding change: c.1213C>T on transcript NM_001083116.3 (MANE Select); coding-DNA position 1213, C replaced by T.
Protein change: p.Gln405Ter; replaces glutamine 405 with a stop codon.
Molecular consequence: nonsense.
Genome position (GRCh38, 1-based): chr10:70,598,508, G>A on the plus strand (C>T on the coding strand, the complement: PRF1 is on the minus strand). VCF-style: chr10-70598508-G-A. GRCh37 (hg19) VCF-style: chr10-72358264-G-A.
Other names: c.1213C>T, p.Gln405Ter (NM_005041.6); short protein forms Q405*.
Identifiers: ClinVar variation 2789348 (VCV002789348.4), dbSNP rs1354517067, ClinGen allele CA376956651.
Genomic context (GRCh38, chr10:70,598,508, plus strand): 5'-ATGCTTGGATGAAGGTCACCTCCAGCTGGGCCAGGCCCCTCTGCCGAGGGCAGCAGTCCT[G>A]GGTGGTGACCGCTGAGCCATGGCACACACACTGGCATGGGTCTCGGGGGCTCTTCTGCCG-3'

ClinVar aggregate classification (germline): Pathogenic/Likely pathogenic. Review status: criteria provided, multiple submitters, no conflicts (2 of 4 stars). 2 submissions from 2 submitters: Pathogenic (1); Likely pathogenic (1). Last evaluated 2024-03-14.

Conditions:
Aplastic anemia. Identifiers: Orphanet 182040, Orphanet 88, MedGen C0002874, MONDO:0015909, OMIM 609135, HP:0001915.
Familial hemophagocytic lymphohistiocytosis 2 (FHL2). Also called: PRF1-Related Familial Hemophagocytic Lymphohistiocytosis (PRF1-fHLH). Identifiers: Orphanet 540, MedGen C1863727, MONDO:0011337, OMIM 603553.

Allele frequency attached by ClinVar (database versions not stated): gnomAD exomes below 0.00001.

Submissions (2):

Baylor Genetics
Classification: Likely pathogenic for Aplastic anemia. Last evaluated: 2024-03-14. Review status: criteria provided, single submitter. Criteria: ACMG Guidelines, 2015. Collection method: clinical testing. Allele origin: unknown.

Labcorp Genetics (formerly Invitae), Labcorp
Classification: Pathogenic for Familial hemophagocytic lymphohistiocytosis 2. Last evaluated: 2023-03-18. Review status: criteria provided, single submitter. Criteria: Invitae Variant Classification Sherloc (09022015). Collection method: clinical testing. Allele origin: germline.
Comment: This variant is present in population databases (no rsID available, gnomAD 0.0009%). For these reasons, this variant has been classified as Pathogenic. This variant disrupts a region of the PRF1 protein in which other variant(s) (p.Asp491Asn) have been determined to be pathogenic (PMID: 17477373, 25577959, 33746956). This suggests that this is a clinically significant region of the protein, and that variants that disrupt it are likely to be disease-causing. This variant has not been reported in the literature in individuals affected with PRF1-related conditions. This sequence change creates a premature translational stop signal (p.Gln405*) in the PRF1 gene. While this is not anticipated to result in nonsense mediated decay, it is expected to disrupt the last 151 amino acid(s) of the PRF1 protein.

Literature cited by the submitters: PubMed 17477373 (cited by Labcorp Genetics (formerly Invitae), Labcorp); PubMed 25577959 (cited by Labcorp Genetics (formerly Invitae), Labcorp); PubMed 33746956 (cited by Labcorp Genetics (formerly Invitae), Labcorp).